The following is an entry in ClinVar:

NM_001039141.3(TRIOBP):c.1666C>T (p.Arg556Trp)

Gene: TRIOBP (TRIO and F-actin binding protein; plus strand). Cytogenetic location: 22q13.1.
Variant type: single nucleotide variant.
Coding change: c.1666C>T on transcript NM_001039141.3 (MANE Select); coding-DNA position 1666, C replaced by T.
Protein change: p.Arg556Trp; replaces arginine 556 with tryptophan.
Molecular consequence: missense variant.
Genome position (GRCh38, 1-based): chr22:37,724,222, C>T. VCF-style: chr22-37724222-C-T. GRCh37 (hg19) VCF-style: chr22-38120229-C-T.
Other names: short protein forms R556W.
Identifiers: ClinVar variation 3708101 (VCV003708101.2).

ClinVar aggregate classification (germline): Uncertain significance (1 of 4 stars; one submission).

Submission:

Labcorp Genetics (formerly Invitae), Labcorp
Classification: Uncertain significance. Last evaluated: 2025-08-04. Review status: criteria provided, single submitter. Criteria: Invitae Variant Classification Sherloc (09022015). Collection method: clinical testing. Allele origin: germline.
Comment: This sequence change replaces arginine, which is basic and polar, with tryptophan, which is neutral and slightly polar, at codon 556 of the TRIOBP protein (p.Arg556Trp). This variant is present in population databases (rs755913140, gnomAD 0.007%). This variant has not been reported in the literature in individuals affected with TRIOBP-related conditions. ClinVar contains an entry for this variant (Variation ID: 3708101). An algorithm developed to predict the effect of missense changes on protein structure and function outputs the following: PolyPhen-2: "Benign". The tryptophan amino acid residue is found in multiple mammalian species, which suggests that this missense change does not adversely affect protein function. In summary, the available evidence is currently insufficient to determine the role of this variant in disease. Therefore, it has been classified as a Variant of Uncertain Significance.